The following is an entry in ClinVar:

ClinVar aggregate classification (germline): Uncertain significance (1 of 4 stars; one submission).

gnomAD v4.1: 2 of 1,612,118 alleles (0.00012%); highest among the groups gnomAD compares: Non-Finnish European, 0.000085%; no homozygotes.

Submission:

GeneDx
Classification: Uncertain significance. Last evaluated: 2024-07-26. Review status: criteria provided, single submitter. Criteria: GeneDx Variant Classification Process June 2021. Collection method: clinical testing. Allele origin: germline. Affected: yes.
Comment: Not observed at significant frequency in large population cohorts (gnomAD); In silico analysis indicates that this missense variant does not alter protein structure/function; Has not been previously published as pathogenic or benign to our knowledge

NM_033305.3(VPS13A):c.6038C>G (p.Thr2013Ser)

Gene: VPS13A (vacuolar protein sorting 13 homolog A; plus strand). Cytogenetic location: 9q21.2.
Variant type: single nucleotide variant.
Coding change: c.6038C>G on transcript NM_033305.3 (MANE Select); coding-DNA position 6038, C replaced by G.
Protein change: p.Thr2013Ser; replaces threonine 2013 with serine.
Molecular consequence: missense variant.
Genome position (GRCh38, 1-based): chr9:77,332,056, C>G. VCF-style: chr9-77332056-C-G. GRCh37 (hg19) VCF-style: chr9-79946972-C-G.
Other names: c.5921C>G, p.Thr1974Ser (NM_001018037.2); c.6038C>G, p.Thr2013Ser (NM_001018038.3, NM_015186.4); short protein forms T1974S, T2013S.
Identifiers: ClinVar variation 3602284 (VCV003602284.1).